The following is an entry in ClinVar:

NM_004006.3(DMD):c.3928G>A (p.Glu1310Lys)

Gene: DMD (dystrophin; minus strand). Cytogenetic location: Xp21.1.
Variant type: single nucleotide variant.
Coding change: c.3928G>A on transcript NM_004006.3 (MANE Select); coding-DNA position 3928, G replaced by A.
Protein change: p.Glu1310Lys; replaces glutamic acid 1310 with lysine.
Molecular consequence: missense variant.
Genome position (GRCh38, 1-based): chrX:32,438,384, C>T on the plus strand (G>A on the coding strand, the complement: DMD is on the minus strand). VCF-style: chrX-32438384-C-T. GRCh37 (hg19) VCF-style: chrX-32456501-C-T.
Other names: c.3904G>A, p.Glu1302Lys (NM_000109.4); c.3916G>A, p.Glu1306Lys (NM_004009.3); c.3559G>A, p.Glu1187Lys (NM_004010.3); short protein forms E1187K, E1302K, E1306K, E1310K.
Identifiers: ClinVar variation 4807203 (VCV004807203.1).

ClinVar aggregate classification (germline): Uncertain significance (1 of 4 stars; one submission).

Conditions:
Duchenne muscular dystrophy (DMD). Also called: Duchenne Muscular Dystrophy (DMD); MUSCULAR DYSTROPHY, PSEUDOHYPERTROPHIC PROGRESSIVE, DUCHENNE TYPE. Identifiers: Orphanet 98896, MedGen C0013264, MONDO:0010679, OMIM 310200.

Submission:

Labcorp Genetics (formerly Invitae), Labcorp
Classification: Uncertain significance for Duchenne muscular dystrophy. Last evaluated: 2025-04-03. Review status: criteria provided, single submitter. Criteria: Invitae Variant Classification Sherloc (09022015). Collection method: clinical testing. Allele origin: germline.
Comment: This sequence change replaces glutamic acid, which is acidic and polar, with lysine, which is basic and polar, at codon 1310 of the DMD protein (p.Glu1310Lys). This variant is not present in population databases (gnomAD no frequency). This variant has not been reported in the literature in individuals affected with DMD-related conditions. Invitae Evidence Modeling of protein sequence and biophysical properties (such as structural, functional, and spatial information, amino acid conservation, physicochemical variation, residue mobility, and thermodynamic stability) indicates that this missense variant is not expected to disrupt DMD protein function with a negative predictive value of 95%. In summary, the available evidence is currently insufficient to determine the role of this variant in disease. Therefore, it has been classified as a Variant of Uncertain Significance.